The following is an entry in ClinVar:

NM_003954.5(MAP3K14):c.2033A>G (p.Asn678Ser)

Genes: MAP3K14 (mitogen-activated protein kinase kinase kinase 14; minus strand), MAP3K14-AS1 (MAP3K14 antisense RNA 1; plus strand), LOC126862575 (CDK7 strongly-dependent group 2 enhancer GRCh37_chr17:43344006-43345205; plus strand). Cytogenetic location: 17q21.31.
Variant type: single nucleotide variant.
Coding change: c.2033A>G on transcript NM_003954.5 (MANE Select); coding-DNA position 2033, A replaced by G.
Protein change: p.Asn678Ser; replaces asparagine 678 with serine.
Molecular consequence: missense variant.
Genome position (GRCh38, 1-based): chr17:45,267,699, T>C on the plus strand (A>G on the coding strand, the complement: MAP3K14 is on the minus strand). VCF-style: chr17-45267699-T-C. GRCh37 (hg19) VCF-style: chr17-43345066-T-C.
Other names: short protein forms N678S.
Identifiers: ClinVar variation 2088572 (VCV002088572.4), dbSNP rs369529527, ClinGen allele CA291055928.

ClinVar aggregate classification (germline): Uncertain significance (1 of 4 stars; one submission).

Conditions:
NIK deficiency. Also called: Primary immunodeficiency with multifaceted aberrant lymphoid immunity. Identifiers: Orphanet 447731, MedGen C5680065, MONDO:0018642.

Allele frequency attached by ClinVar (database versions not stated): gnomAD exomes below 0.00001.
gnomAD v4.1: 2 of 1,613,846 alleles (0.00012%); highest among the groups gnomAD compares: Non-Finnish European, 0.00017%; no homozygotes.

Submission:

Labcorp Genetics (formerly Invitae), Labcorp
Classification: Uncertain significance for NIK deficiency. Last evaluated: 2022-10-17. Review status: criteria provided, single submitter. Criteria: Invitae Variant Classification Sherloc (09022015). Collection method: clinical testing. Allele origin: germline.
Comment: This sequence change replaces asparagine, which is neutral and polar, with serine, which is neutral and polar, at codon 678 of the MAP3K14 protein (p.Asn678Ser). This variant is not present in population databases (gnomAD no frequency). This variant has not been reported in the literature in individuals affected with MAP3K14-related conditions. Experimental studies and prediction algorithms are not available or were not evaluated, and the functional significance of this variant is currently unknown. In summary, the available evidence is currently insufficient to determine the role of this variant in disease. Therefore, it has been classified as a Variant of Uncertain Significance.